The following is an entry in ClinVar:

NM_018127.7(ELAC2):c.1532C>A (p.Ser511Tyr)

Gene: ELAC2 (elaC ribonuclease Z 2; minus strand). Cytogenetic location: 17p12.
Variant type: single nucleotide variant.
Coding change: c.1532C>A on transcript NM_018127.7 (MANE Select); coding-DNA position 1532, C replaced by A.
Protein change: p.Ser511Tyr; replaces serine 511 with tyrosine.
Molecular consequence: missense variant.
Genome position (GRCh38, 1-based): chr17:12,996,674, G>T on the plus strand (C>A on the coding strand, the complement: ELAC2 is on the minus strand). VCF-style: chr17-12996674-G-T. GRCh37 (hg19) VCF-style: chr17-12899991-G-T.
Other names: c.1412C>A, p.Ser471Tyr (NM_001165962.2); c.1529C>A, p.Ser510Tyr (NM_173717.2); short protein forms S511Y, S510Y, S471Y.
Identifiers: ClinVar variation 870074 (VCV000870074.8), dbSNP rs1240684251, ClinGen allele CA398224173.

ClinVar aggregate classification (germline): Uncertain significance. Review status: criteria provided, multiple submitters, no conflicts (2 of 4 stars). 2 submissions from 2 submitters: Uncertain significance (2). Last evaluated 2022-08-09.

Conditions:
Combined oxidative phosphorylation defect type 17. Also called: Combined oxidative phosphorylation deficiency 17. Identifiers: Orphanet 369913, MedGen C3809526, MONDO:0014190, OMIM 615440.

Allele frequency attached by ClinVar (database versions not stated): gnomAD exomes 0.00001.

Submissions (2):

Labcorp Genetics (formerly Invitae), Labcorp
Classification: Uncertain significance for Combined oxidative phosphorylation defect type 17. Last evaluated: 2022-08-09. Review status: criteria provided, single submitter. Criteria: Invitae Variant Classification Sherloc (09022015). Collection method: clinical testing. Allele origin: germline.
Comment: In summary, the available evidence is currently insufficient to determine the role of this variant in disease. Therefore, it has been classified as a Variant of Uncertain Significance. Algorithms developed to predict the effect of missense changes on protein structure and function are either unavailable or do not agree on the potential impact of this missense change (SIFT: "Tolerated"; PolyPhen-2: "Probably Damaging"; Align-GVGD: "Class C0"). ClinVar contains an entry for this variant (Variation ID: 870074). This missense change has been observed in individual(s) with clinical features of combined oxidative phosphorylation deficiency (Invitae). In at least one individual the data is consistent with being in trans (on the opposite chromosome) from a pathogenic variant. The frequency data for this variant in the population databases is considered unreliable, as metrics indicate poor data quality at this position in the gnomAD database. This sequence change replaces serine, which is neutral and polar, with tyrosine, which is neutral and polar, at codon 511 of the ELAC2 protein (p.Ser511Tyr).

Agnes Ginges Centre for Molecular Cardiology, Centenary Institute
Classification: Uncertain significance for Combined oxidative phosphorylation defect type 17. Last evaluated: 2018-03-02. Review status: criteria provided, single submitter. Criteria: ACMG Guidelines, 2015. Collection method: research. Allele origin: germline. Inheritance: Autosomal recessive inheritance. Affected: yes.
Comment: ELAC2 Ser511Tyr has not been previously reported and is absent from the Genome Aggregation Database. It is very probable that these variants in combinations are causing disease in a recessive manner, however there is not enough information to prove this. Based on the ACMG guidelines (Richards S, et al., 2015) this variant meets only the very rare in the general population criteria (PM2), therefore we classify ELAC2 Ser511Tyr as a variant of 'uncertain significance'.